The following is an entry in ClinVar:

ClinVar aggregate classification (germline): Uncertain significance (1 of 4 stars; one submission).

Conditions:
Leigh syndrome (NULS). Also called: Leigh's necrotizing encephalopathy; Leigh's disease; Leigh Syndrome (mtDNA deletion); Leigh Disease; Subacute necrotizing encephalopathy; Necrotizing encephalopathy infantile subacute of Leigh. Identifiers: Orphanet 506, MedGen C2931891, MONDO:0009723, OMIM 256000.

Submission:

Wong Mito Lab, Molecular and Human Genetics, Baylor College of Medicine
Classification: Uncertain significance for Leigh syndrome. Last evaluated: 2019-10-17. Review status: criteria provided, single submitter. Criteria: Modified ACMG Guidelines (Unpublished). Collection method: clinical testing. Allele origin: germline.
Comment: The NC_012920.1:m.7943T>C (YP_003024029.1:p.Ser120Pro) variant in MTCO2 gene is interpretated to be a Uncertain Significance variant based on the modified ACMG guidelines (unpublished). This variant meets the following evidence codes: PP7

NC_012920.1(MT-CO2):m.7943T>C

Gene: MT-CO2 (mitochondrially encoded cytochrome c oxidase II; plus strand).
Variant type: single nucleotide variant.
Genome position: chrM-7943-T-C.
Identifiers: ClinVar variation 692801 (VCV000692801.1), dbSNP rs1603221224, ClinGen allele CA414794345.